The following is an entry in ClinVar:

NM_001009999.3(KDM1A):c.1270G>A (p.Val424Ile)

Gene: KDM1A (lysine demethylase 1A; plus strand). Cytogenetic location: 1p36.12.
Variant type: single nucleotide variant.
Coding change: c.1270G>A on transcript NM_001009999.3 (MANE Select); coding-DNA position 1270, G replaced by A.
Protein change: p.Val424Ile; replaces valine 424 with isoleucine.
Molecular consequence: missense variant.
Genome position (GRCh38, 1-based): chr1:23,068,629, G>A. VCF-style: chr1-23068629-G-A. GRCh37 (hg19) VCF-style: chr1-23395122-G-A.
Other names: c.1198G>A, p.Val400Ile (NM_001363654.2, NM_001410763.1, NM_015013.4); c.1258G>A, p.Val420Ile (NM_001410762.1); short protein forms V400I, V420I, V424I.
Identifiers: ClinVar variation 3899138 (VCV003899138.1).

ClinVar aggregate classification (germline): Uncertain significance (1 of 4 stars; one submission).

gnomAD v4.1: 1 of 1,604,478 alleles (0.000062%); highest among the groups gnomAD compares: Non-Finnish European, 0.000085%; no homozygotes.

Submission:

GeneDx
Classification: Uncertain significance. Last evaluated: 2024-11-07. Review status: criteria provided, single submitter. Criteria: GeneDx Variant Classification Process June 2021. Collection method: clinical testing. Allele origin: germline. Affected: yes.
Comment: Not observed at significant frequency in large population cohorts (gnomAD); In silico analysis indicates that this missense variant does not alter protein structure/function; Has not been previously published as pathogenic or benign to our knowledge